The following is an entry in ClinVar:

NM_002299.4(LCT):c.4867-5C>A

Gene: LCT (lactase; minus strand). Cytogenetic location: 2q21.3.
Variant type: single nucleotide variant.
Coding change: c.4867-5C>A on transcript NM_002299.4 (MANE Select); 5 bases into the intron before coding-DNA position 4867, C replaced by A.
Molecular consequence: intron variant.
Genome position (GRCh38, 1-based): chr2:135,798,143, G>T on the plus strand (C>A on the coding strand, the complement: LCT is on the minus strand). VCF-style: chr2-135798143-G-T. GRCh37 (hg19) VCF-style: chr2-136555713-G-T.
Identifiers: ClinVar variation 1410633 (VCV001410633.6), dbSNP rs1374814336, ClinGen allele CA1290826542.

ClinVar aggregate classification (germline): Uncertain significance (1 of 4 stars; one submission).

Submission:

Labcorp Genetics (formerly Invitae), Labcorp
Classification: Uncertain significance. Last evaluated: 2021-08-17. Review status: criteria provided, single submitter. Criteria: Invitae Variant Classification Sherloc (09022015). Collection method: clinical testing. Allele origin: germline.
Comment: This sequence change falls in intron 12 of the LCT gene. It does not directly change the encoded amino acid sequence of the LCT protein. In summary, the available evidence is currently insufficient to determine the role of this variant in disease. Therefore, it has been classified as a Variant of Uncertain Significance. Algorithms developed to predict the effect of sequence changes on RNA splicing suggest that this variant may disrupt the consensus splice site. This variant has not been reported in the literature in individuals affected with LCT-related conditions. This variant is not present in population databases (ExAC no frequency).